The following is an entry in ClinVar:

ClinVar aggregate classification (germline): Likely pathogenic (1 of 4 stars; one submission).

Conditions:
Waardenburg syndrome type 1 (WS1). Also called: WAARDENBURG SYNDROME WITH DYSTOPIA CANTHORUM; Waardenburg Syndrome Type I. Identifiers: Orphanet 894, MedGen C1847800, MONDO:0008670, OMIM 193500.

Submission:

3billion
Classification: Likely pathogenic for Waardenburg syndrome type 1. Last evaluated: 2024-08-08. Review status: criteria provided, single submitter. Criteria: ACMG Guidelines, 2015. Collection method: clinical testing. Allele origin: germline. Affected: yes.
Comment: The variant is not observed in the gnomAD v4.0.0 dataset. Predicted Consequence/Location: Frameshift: predicted to result in a loss or disruption of normal protein function through nonsense-mediated decay (NMD) or protein truncation. Multiple pathogenic variants are reported downstream of the variant. Therefore, this variant is classified as Likely pathogenic according to the recommendation of ACMG/AMP guideline.

NM_181458.4(PAX3):c.845_848dup (p.Met284fs)

Gene: PAX3 (paired box 3; minus strand). Cytogenetic location: 2q36.1.
Variant type: Duplication.
Coding change: c.845_848dup on transcript NM_181458.4 (MANE Select); coding-DNA positions 845 to 848, 4 bases duplicated (AACT; older notation c.845_848dupAACT).
Protein change: p.Met284fs; shifts the reading frame from methionine 284.
Molecular consequence: frameshift variant.
Genome position (GRCh38, 1-based): chr2:222,221,332-222,221,335, AGTT duplicated on the plus strand (AACT on the coding strand, the reverse complement: PAX3 is on the minus strand). VCF-style (leftmost placement, unchanged base first): chr2-222221331-C-CAGTT. GRCh37 (hg19) VCF-style: chr2-223086050-C-CAGTT.
Other names: c.842_845dup, p.Met283fs (NM_001127366.3); c.845_848dup, p.Met284fs (NM_181457.4, NM_181459.4, NM_181460.4 and 1 more transcripts); short protein forms M283fs, M284fs.
Identifiers: ClinVar variation 4291908 (VCV004291908.1).